The following is an entry in ClinVar:

ClinVar aggregate classification (germline): Uncertain significance. Review status: criteria provided, multiple submitters, no conflicts (2 of 4 stars). 3 submissions from 3 submitters: Uncertain significance (3). Last evaluated 2025-01-14.

Conditions:
Inborn genetic diseases. Identifiers: MedGen C0950123, MeSH D030342.
Fanconi anemia (FA). Also called: Fanconi's anemia. Identifiers: Orphanet 84, MedGen C0015625, MeSH D005199, MONDO:0019391.

Submissions (3):

Ambry Genetics
Classification: Uncertain significance for Inborn genetic diseases. Last evaluated: 2025-01-14. Review status: criteria provided, single submitter. Criteria: Ambry Variant Classification Scheme 2023. Collection method: clinical testing. Allele origin: germline.
Comment: The p.C910Y variant (also known as c.2729G>A), located in coding exon 14 of the FANCM gene, results from a G to A substitution at nucleotide position 2729. The cysteine at codon 910 is replaced by tyrosine, an amino acid with highly dissimilar properties. This amino acid position is conserved. In addition, this alteration is predicted to be tolerated by in silico analysis. Based on the available evidence, the clinical significance of this variant remains unclear.

Quest Diagnostics Nichols Institute San Juan Capistrano
Classification: Uncertain significance. Last evaluated: 2024-03-20. Review status: criteria provided, single submitter. Criteria: Quest Diagnostics criteria. Collection method: clinical testing. Allele origin: unknown.
Comment: The FANCM c.2729G>A (p.Cys910Tyr) variant has not been reported in individuals with FANCM-related conditions in the published literature. It also has not been reported in large, multi-ethnic general populations (Genome Aggregation Database). Analysis of this variant using bioinformatics tools for the prediction of the effect of amino acid changes on protein structure and function yielded predictions that this variant is benign. Based on the available information, we are unable to determine the clinical significance of this variant.

Labcorp Genetics (formerly Invitae), Labcorp
Classification: Uncertain significance for Fanconi anemia. Last evaluated: 2021-05-25. Review status: criteria provided, single submitter. Criteria: Invitae Variant Classification Sherloc (09022015). Collection method: clinical testing. Allele origin: germline.
Comment: In summary, the available evidence is currently insufficient to determine the role of this variant in disease. Therefore, it has been classified as a Variant of Uncertain Significance. Algorithms developed to predict the effect of missense changes on protein structure and function (SIFT, PolyPhen-2, Align-GVGD) all suggest that this variant is likely to be tolerated, but these predictions have not been confirmed by published functional studies and their clinical significance is uncertain. This variant has not been reported in the literature in individuals with FANCM-related conditions. This variant is not present in population databases (ExAC no frequency). This sequence change replaces cysteine with tyrosine at codon 910 of the FANCM protein (p.Cys910Tyr). The cysteine residue is weakly conserved and there is a large physicochemical difference between cysteine and tyrosine.

NM_020937.4(FANCM):c.2729G>A (p.Cys910Tyr)

Gene: FANCM (FA complementation group M; plus strand). Cytogenetic location: 14q21.2.
Variant type: single nucleotide variant.
Coding change: c.2729G>A on transcript NM_020937.4 (MANE Select); coding-DNA position 2729, G replaced by A.
Protein change: p.Cys910Tyr; replaces cysteine 910 with tyrosine.
Molecular consequence: missense variant.
Genome position (GRCh38, 1-based): chr14:45,175,483, G>A. VCF-style: chr14-45175483-G-A. GRCh37 (hg19) VCF-style: chr14-45644686-G-A.
Other names: c.2729G>A (NM_020937.3, NM_020937.2); c.2651G>A, p.Cys884Tyr (NM_001308133.2); short protein forms C884Y, C910Y.
Identifiers: ClinVar variation 1523025 (VCV001523025.10), dbSNP rs2139243498, ClinGen allele CA389598951.